The following is an entry in ClinVar:

ClinVar aggregate classification (germline): Conflicting classifications of pathogenicity. Review status: criteria provided, conflicting classifications (1 of 4 stars). 9 submissions from 9 submitters: Uncertain significance (6); Likely benign (1). 2 of the submissions do not count toward it. Last evaluated 2025-09-02.

Conditions:
BRCA1-related cancer predisposition. Identifiers: MedGen CN377757, MONDO:0700268.
Hereditary cancer-predisposing syndrome. Also called: Tumor predisposition; Neoplastic Syndromes, Hereditary; Hereditary Cancer Syndrome; Hereditary neoplastic syndrome. Identifiers: Orphanet 140162, MedGen C0027672, MeSH D009386, MONDO:0015356.
Hereditary breast ovarian cancer syndrome. Also called: Hereditary breast and ovarian cancer syndrome (HBOC); Hereditary breast and ovarian cancer syndrome; Hereditary breast and ovarian cancer; Hereditary breast and/or ovarian cancer syndrome; Breast and ovarian cancer; BRCA1- and BRCA2-Associated Hereditary Breast and Ovarian Cancer. Identifiers: Orphanet 145, MedGen C0677776, MeSH D061325, MONDO:0003582. Disease mechanism: loss of function.
Breast-ovarian cancer, familial, susceptibility to, 1 (BROVCA1). Also called: OVARIAN CANCER, SUSCEPTIBILITY TO; BRCA1 Hereditary Breast and Ovarian Cancer. Identifiers: Orphanet 145, MedGen C2676676, MONDO:0011450, OMIM 604370. Disease mechanism: loss of function.

Submissions (9):

Labcorp Genetics (formerly Invitae), Labcorp
Classification: Uncertain significance for Hereditary breast ovarian cancer syndrome. Last evaluated: 2025-09-02. Review status: criteria provided, single submitter. Criteria: Invitae Variant Classification Sherloc (09022015). Collection method: clinical testing. Allele origin: germline.
Comment: This sequence change replaces leucine, which is neutral and non-polar, with serine, which is neutral and polar, at codon 1261 of the BRCA1 protein (p.Leu1261Ser). This variant is not present in population databases (gnomAD no frequency). This missense change has been observed in individual(s) with breast cancer (PMID: 35264596). ClinVar contains an entry for this variant (Variation ID: 37548). Invitae Evidence Modeling of protein sequence and biophysical properties (such as structural, functional, and spatial information, amino acid conservation, physicochemical variation, residue mobility, and thermodynamic stability) indicates that this missense variant is not expected to disrupt BRCA1 protein function with a negative predictive value of 80%. In summary, the available evidence is currently insufficient to determine the role of this variant in disease. Therefore, it has been classified as a Variant of Uncertain Significance.

Quest Diagnostics Nichols Institute San Juan Capistrano
Classification: Uncertain significance. Last evaluated: 2025-03-06. Review status: criteria provided, single submitter. Criteria: Quest Diagnostics criteria. Collection method: clinical testing. Allele origin: unknown.
Comment: The BRCA1 c.3782T>C (p.Leu1261Ser) variant has been identified in the published in an individual with breast cancer (PMID: 35264596 (2020)) as well as in a reportedly healthy individual (PMID: 32467295 (2020)). This variant has also been reported to be located in a region of the BRCA2 gene that is tolerant to missense sequence changes (PMID: 31911673 (2020)). This variant has not been reported in large, multi-ethnic general populations (Genome Aggregation Database). Analysis of this variant using bioinformatics tools for the prediction of the effect of amino acid changes on protein structure and function yielded predictions that this variant is benign. Based on the available information, we are unable to determine the clinical significance of this variant.

All of Us Research Program, National Institutes of Health
Classification: Uncertain significance for BRCA1-related cancer predisposition. Last evaluated: 2024-04-30. Review status: criteria provided, single submitter. Criteria: ACMG Guidelines, 2015. Collection method: clinical testing. Allele origin: germline. Inheritance: Autosomal dominant inheritance. Observed: 1 variant allele, 1 heterozygote.
Comment: This missense variant replaces leucine with serine at codon 1261 of the BRCA1 protein. Computational prediction suggests that this variant may not impact protein structure and function (internally defined REVEL score threshold <= 0.5, PMID: 27666373). To our knowledge, functional studies have not been reported for this variant. This variant has not been reported in individuals affected with hereditary cancer in the literature. This variant has not been identified in the general population by the Genome Aggregation Database (gnomAD). The available evidence is insufficient to determine the role of this variant in disease conclusively. Therefore, this variant is classified as a Variant of Uncertain Significance.

This study involves interpretation of variants in research participants for the purpose of population health screening. Participant phenotype was not available at the time of variant classification. Additional details can be found in publication PMID: 35346344, PMCID: PMC8962531

Ambry Genetics
Classification: Uncertain significance for Hereditary cancer-predisposing syndrome. Last evaluated: 2023-11-30. Review status: criteria provided, single submitter. Criteria: Ambry Variant Classification Scheme 2023. Collection method: clinical testing. Allele origin: germline.
Comment: The p.L1261S variant (also known as c.3782T>C), located in coding exon 9 of the BRCA1 gene, results from a T to C substitution at nucleotide position 3782. The leucine at codon 1261 is replaced by serine, an amino acid with dissimilar properties. This alteration was detected in a cohort of 1663 Brazilian breast cancer patients who underwent hereditary multigene panel testing (Guindalini RSC et al. Sci Rep, 2022 Mar;12:4190). This amino acid position is poorly conserved in available vertebrate species. In addition, this alteration is predicted to be tolerated by in silico analysis. Since supporting evidence is limited at this time, the clinical significance of this alteration remains unclear.

University of Washington Department of Laboratory Medicine, University of Washington
Classification: Likely benign for Hereditary cancer-predisposing syndrome. Last evaluated: 2023-03-23. Review status: criteria provided, single submitter. Criteria: Dines et al. (Genet Med. 2020). Collection method: curation. Allele origin: germline.
Comment: Missense variant in a coldspot region where missense variants are very unlikely to be pathogenic (PMID:31911673).

BRCA1 coldspot (exon 11 using historical exon numbering). Reclassification based on statistical prior probability

Color Diagnostics, LLC DBA Color Health
Classification: Uncertain significance for Hereditary cancer-predisposing syndrome. Last evaluated: 2021-04-15. Review status: criteria provided, single submitter. Criteria: ACMG Guidelines, 2015. Collection method: clinical testing. Allele origin: germline.
Comment: This missense variant replaces leucine with serine at codon 1261 of the BRCA1 protein. Computational prediction suggests that this variant may not impact protein structure and function (internally defined REVEL score threshold <= 0.5, PMID: 27666373). To our knowledge, functional studies have not been reported for this variant. This variant has not been reported in individuals affected with hereditary cancer in the literature. This variant has not been identified in the general population by the Genome Aggregation Database (gnomAD). The available evidence is insufficient to determine the role of this variant in disease conclusively. Therefore, this variant is classified as a Variant of Uncertain Significance.

Mendelics
Classification: Uncertain significance for Breast-ovarian cancer, familial, susceptibility to, 1. Last evaluated: 2019-05-28. Review status: criteria provided, single submitter. Criteria: Mendelics Assertion Criteria 2017. Collection method: clinical testing. Allele origin: unknown.

Counsyl
Classification: Uncertain significance for Breast-ovarian cancer, familial, susceptibility to, 1. Last evaluated: 2016-02-12. Review status: no assertion criteria provided. Collection method: clinical testing. Allele origin: unknown. Not counted in ClinVar's aggregate classification.

Sharing Clinical Reports Project (SCRP)
Classification: Uncertain significance for Breast-ovarian cancer, familial 1. Last evaluated: 2008-08-15. Review status: no assertion criteria provided. Collection method: clinical testing. Allele origin: germline. Not counted in ClinVar's aggregate classification.

Literature cited by the submitters: PubMed 35264596 (cited by 3 submitters); PubMed 31911673 (cited by Quest Diagnostics Nichols Institute San Juan Capistrano and Ambry Genetics); PubMed 32467295 (cited by Quest Diagnostics Nichols Institute San Juan Capistrano); PubMed 28569743 (cited by Ambry Genetics); PubMed 33087888 (cited by Ambry Genetics).

NM_007294.4(BRCA1):c.3782T>C (p.Leu1261Ser)

Genes: BRCA1 (BRCA1 DNA repair associated; minus strand), LOC126862571 (BRD4-independent group 4 enhancer GRCh37_chr17:41243136-41244335; plus strand). Cytogenetic location: 17q21.31.
Variant type: single nucleotide variant.
Coding change: c.3782T>C on transcript NM_007294.4 (MANE Select); coding-DNA position 3782, T replaced by C.
Protein change: p.Leu1261Ser; replaces leucine 1261 with serine.
Molecular consequence: missense variant. On other transcripts: intron variant (135).
Genome position (GRCh38, 1-based): chr17:43,091,749, A>G on the plus strand (T>C on the coding strand, the complement: BRCA1 is on the minus strand). VCF-style: chr17-43091749-A-G. GRCh37 (hg19) VCF-style: chr17-41243766-A-G.
Other names: 3901T>C; c.644-717T>C (NM_001408468.1, NM_001408465.1, NM_001408463.1 and 3 more transcripts); c.524-717T>C (NM_001408501.1, NM_001408500.1, NM_001408497.1 and 3 more transcripts); c.647-717T>C (NM_001408455.1, NM_001408466.1, NM_001408452.1 and 11 more transcripts); c.578-717T>C (NM_001408513.1, NM_001408489.1, NM_001408479.1 and 9 more transcripts); c.521-717T>C (NM_001408503.1, NM_001408505.1, NM_001408504.1); c.788-717T>C (NM_001407973.1, NM_001408403.1, NM_001407983.1 and 17 more transcripts); c.404-717T>C (NM_001408511.1); and 42 more; short protein forms L1261S, L1214S, L1149S, L1190S, L1213S, L1134S, L1150S, L1191S.
Identifiers: ClinVar variation 37548 (VCV000037548.26), dbSNP rs397507219, ClinGen allele CA002436.
Genomic context (GRCh38, chr17:43,091,749, plus strand): 5'-TGAGATGCCTTTGCCAATATTACCTGGTTACTGCAGTCATTTAAGCTATTCTTCAATGAT[A>G]ATAAATTCTCCTCTGTGTTCTTAGACAGACACTCGGTAGCAACGGTGCTATGCCTAGTAG-3'
Protein context (NP_009225.1, residues 1251-1271): CLSKNTEENL[Leu1261Ser]SLKNSLNDCS